The following is an entry in ClinVar:

NM_005612.5(REST):c.1921G>A (p.Gly641Ser)

Gene: REST (RE1 silencing transcription factor; plus strand). Cytogenetic location: 4q12.
Variant type: single nucleotide variant.
Coding change: c.1921G>A on transcript NM_005612.5 (MANE Select); coding-DNA position 1921, G replaced by A.
Protein change: p.Gly641Ser; replaces glycine 641 with serine.
Molecular consequence: missense variant.
Genome position (GRCh38, 1-based): chr4:56,930,779, G>A. VCF-style: chr4-56930779-G-A. GRCh37 (hg19) VCF-style: chr4-57796945-G-A.
Other names: c.1921G>A, p.Gly641Ser (NM_001193508.2, NM_001363453.3); short protein forms G641S.
Identifiers: ClinVar variation 2892861 (VCV002892861.3), dbSNP rs1720925778, ClinGen allele CA357007706.

ClinVar aggregate classification (germline): Uncertain significance (1 of 4 stars; one submission).

Allele frequency attached by ClinVar (database versions not stated): gnomAD exomes below 0.00001.
gnomAD v4.1: 5 of 1,605,244 alleles (0.00031%); highest among the groups gnomAD compares: Non-Finnish European, 0.00026%; no homozygotes.

Submission:

Labcorp Genetics (formerly Invitae), Labcorp
Classification: Uncertain significance. Last evaluated: 2023-10-16. Review status: criteria provided, single submitter. Criteria: Invitae Variant Classification Sherloc (09022015). Collection method: clinical testing. Allele origin: germline.
Comment: This sequence change replaces glycine, which is neutral and non-polar, with serine, which is neutral and polar, at codon 641 of the REST protein (p.Gly641Ser). This variant is not present in population databases (gnomAD no frequency). This variant has not been reported in the literature in individuals affected with REST-related conditions. An algorithm developed to predict the effect of missense changes on protein structure and function (PolyPhen-2) suggests that this variant is likely to be tolerated. In summary, the available evidence is currently insufficient to determine the role of this variant in disease. Therefore, it has been classified as a Variant of Uncertain Significance.